The following is an entry in ClinVar:

ClinVar aggregate classification (germline): Uncertain significance (1 of 4 stars; one submission).

Allele frequency attached by ClinVar (database versions not stated): ESP Exome Variant Server 0.00008; ExAC 0.00001.
gnomAD v4.1: 22 of 1,612,722 alleles (0.0014%); highest among the groups gnomAD compares: Admixed American, 0.0017%; no homozygotes.

Submission:

Labcorp Genetics (formerly Invitae), Labcorp
Classification: Uncertain significance. Last evaluated: 2022-07-05. Review status: criteria provided, single submitter. Criteria: Invitae Variant Classification Sherloc (09022015). Collection method: clinical testing. Allele origin: germline.
Comment: This sequence change replaces arginine, which is basic and polar, with glutamine, which is neutral and polar, at codon 2114 of the VPS13A protein (p.Arg2114Gln). This variant is present in population databases (rs367713644, gnomAD 0.003%). This variant has not been reported in the literature in individuals affected with VPS13A-related conditions. ClinVar contains an entry for this variant (Variation ID: 1402160). Algorithms developed to predict the effect of missense changes on protein structure and function output the following: SIFT: "Tolerated"; PolyPhen-2: "Benign"; Align-GVGD: "Class C0". The glutamine amino acid residue is found in multiple mammalian species, which suggests that this missense change does not adversely affect protein function. In summary, the available evidence is currently insufficient to determine the role of this variant in disease. Therefore, it has been classified as a Variant of Uncertain Significance.

NM_033305.3(VPS13A):c.6341G>A (p.Arg2114Gln)

Gene: VPS13A (vacuolar protein sorting 13 homolog A; plus strand). Cytogenetic location: 9q21.2.
Variant type: single nucleotide variant.
Coding change: c.6341G>A on transcript NM_033305.3 (MANE Select); coding-DNA position 6341, G replaced by A.
Protein change: p.Arg2114Gln; replaces arginine 2114 with glutamine.
Molecular consequence: missense variant.
Genome position (GRCh38, 1-based): chr9:77,337,500, G>A. VCF-style: chr9-77337500-G-A. GRCh37 (hg19) VCF-style: chr9-79952416-G-A.
Other names: c.6224G>A, p.Arg2075Gln (NM_001018037.2); c.6341G>A, p.Arg2114Gln (NM_001018038.3, NM_015186.4); short protein forms R2075Q, R2114Q.
Identifiers: ClinVar variation 1402160 (VCV001402160.3), dbSNP rs367713644, ClinGen allele CA5092987.